The following is an entry in ClinVar:

NM_005609.4(PYGM):c.1475G>A (p.Trp492Ter)

Gene: PYGM (glycogen phosphorylase, muscle associated; minus strand). Cytogenetic location: 11q13.1.
Variant type: single nucleotide variant.
Coding change: c.1475G>A on transcript NM_005609.4 (MANE Select); coding-DNA position 1475, G replaced by A.
Protein change: p.Trp492Ter; replaces tryptophan 492 with a stop codon.
Molecular consequence: nonsense.
Genome position (GRCh38, 1-based): chr11:64,753,116, C>T on the plus strand (G>A on the coding strand, the complement: PYGM is on the minus strand). VCF-style: chr11-64753116-C-T. GRCh37 (hg19) VCF-style: chr11-64520588-C-T.
Other names: c.1211G>A, p.Trp404Ter (NM_001164716.1); c.1475G>A (NM_005609.3); short protein forms W404*, W492*.
Identifiers: ClinVar variation 2678127 (VCV002678127.3), dbSNP rs2496655165, ClinGen allele CA381174961.

ClinVar aggregate classification (germline): Pathogenic/Likely pathogenic. Review status: criteria provided, multiple submitters, no conflicts (2 of 4 stars). 3 submissions from 3 submitters: Pathogenic (2); Likely pathogenic (1). Last evaluated 2024-07-30.

Conditions:
Glycogen storage disease, type V (GSD5). Also called: McArdle type glycogen storage disease; MCARDLE DISEASE; MUSCLE GLYCOGEN PHOSPHORYLASE DEFICIENCY; MYOPHOSPHORYLASE DEFICIENCY; PYGM DEFICIENCY. Identifiers: Orphanet 368, MedGen C0017924, MONDO:0009293, OMIM 232600.

Allele frequency attached by ClinVar (database versions not stated): gnomAD exomes below 0.00001.
gnomAD v4.1: 2 of 1,614,186 alleles (0.00012%); highest among the groups gnomAD compares: Non-Finnish European, 0.00017%; no homozygotes.

Submissions (3):

Natera, Inc.
Classification: Pathogenic for Glycogen storage disease V. Last evaluated: 2024-07-30. Review status: criteria provided, single submitter. Criteria: Natera Variant Classification Schema (03/2026). Collection method: clinical testing. Allele origin: germline.
Comment: The c.1475G>A variant in PYGM is a nonsense variant predicted to introduce a stop codon at amino acid 492. This variant is expected to result in nonsense mediated decay, truncation, or a dysfunctional protein product. This variant is rare in the general population with a frequency below the threshold expected for the associated phenotype(s). This variant has been observed in one or more individuals affected with the associated recessive disease, as either homozygous or compound heterozygous with a second variant (PMID: 25740218). Given the available evidence, this variant is classified as Pathogenic.

Fulgent Genetics
Classification: Likely pathogenic for Glycogen storage disease, type V. Last evaluated: 2024-01-05. Review status: criteria provided, single submitter. Criteria: ACMG Guidelines, 2015. Collection method: clinical testing. Allele origin: germline.

Baylor Genetics
Classification: Pathogenic for Glycogen storage disease, type V. Last evaluated: 2023-06-03. Review status: criteria provided, single submitter. Criteria: ACMG Guidelines, 2015. Collection method: clinical testing. Allele origin: unknown.

Literature cited by the submitters: PubMed 25740218 (cited by Natera, Inc.).